The following is an entry in ClinVar:

NM_001308093.3(GATA4):c.1166C>T (p.Ala389Val)

Gene: GATA4 (GATA binding protein 4). Cytogenetic location: 8p23.1.
Variant type: single nucleotide variant.
Coding change: c.1166C>T on transcript NM_001308093.3 (MANE Select); coding-DNA position 1166, C replaced by T.
Protein change: p.Ala389Val; replaces alanine 389 with valine.
Molecular consequence: missense variant.
Genome position (GRCh38, 1-based): chr8:11,758,309, C>T. VCF-style: chr8-11758309-C-T. GRCh37 (hg19) VCF-style: chr8-11615818-C-T.
Other names: c.545C>T, p.Ala182Val (NM_001308094.2, NM_001374273.1); c.419C>T, p.Ala140Val (NM_001374274.1); c.1163C>T, p.Ala388Val (NM_002052.5); short protein forms A182V, A140V, A388V, A389V.
Identifiers: ClinVar variation 2041238 (VCV002041238.6), dbSNP rs376885265, ClinGen allele CA4630879.

ClinVar aggregate classification (germline): Uncertain significance. Review status: criteria provided, multiple submitters, no conflicts (2 of 4 stars). 2 submissions from 2 submitters: Uncertain significance (2). Last evaluated 2025-08-25.

Conditions:
Atrioventricular septal defect 4 (AVSD4). Identifiers: MedGen C3280781, MONDO:0013747, OMIM 614430.

Allele frequency attached by ClinVar (database versions not stated): ExAC 0.00001; ESP Exome Variant Server 0.00008.
gnomAD v4.1: 18 of 1,614,134 alleles (0.0011%); highest among the groups gnomAD compares: South Asian, 0.0022%; no homozygotes.

Submissions (2):

Labcorp Genetics (formerly Invitae), Labcorp
Classification: Uncertain significance for Atrioventricular septal defect 4. Last evaluated: 2025-08-25. Review status: criteria provided, single submitter. Criteria: Invitae Variant Classification Sherloc (09022015). Collection method: clinical testing. Allele origin: germline.
Comment: This sequence change replaces alanine, which is neutral and non-polar, with valine, which is neutral and non-polar, at codon 388 of the GATA4 protein (p.Ala388Val). This variant is not present in population databases (gnomAD no frequency). This variant has not been reported in the literature in individuals affected with GATA4-related conditions. ClinVar contains an entry for this variant (Variation ID: 2041238). Invitae Evidence Modeling of protein sequence and biophysical properties (such as structural, functional, and spatial information, amino acid conservation, physicochemical variation, residue mobility, and thermodynamic stability) indicates that this missense variant is not expected to disrupt GATA4 protein function with a negative predictive value of 95%. In summary, the available evidence is currently insufficient to determine the role of this variant in disease. Therefore, it has been classified as a Variant of Uncertain Significance.

Dasa
Classification: Uncertain significance. Last evaluated: 2025-05-19. Review status: criteria provided, single submitter. Criteria: DASA Assertion Criteria. Collection method: clinical testing. Allele origin: germline.
Comment: NM_001308093.3(GATA4):c.1166C>T (p.Ala389Val) is a missense variant that results in the substitution of alanine with valine. This variant is rare in population databases. Computational prediction algorithms are consistent with a benign effect. The currently available literature and clinical evidence are not sufficient to establish a definitive association between this variant and the reported condition. Therefore, this variant is classified as a variant of uncertain significance.